The following is an entry in ClinVar:

ClinVar aggregate classification (germline): Pathogenic (1 of 4 stars; one submission).

Conditions:
Hereditary breast ovarian cancer syndrome. Also called: Hereditary breast and ovarian cancer; Hereditary breast and/or ovarian cancer syndrome; BRCA1- and BRCA2-Associated Hereditary Breast and Ovarian Cancer; Hereditary breast and ovarian cancer syndrome; Hereditary breast and ovarian cancer syndrome (HBOC); Breast and ovarian cancer. Identifiers: Orphanet 145, MedGen C0677776, MeSH D061325, MONDO:0003582. Disease mechanism: loss of function.

Submission:

Labcorp Genetics (formerly Invitae), Labcorp
Classification: Pathogenic for Hereditary breast ovarian cancer syndrome. Last evaluated: 2021-07-03. Review status: criteria provided, single submitter. Criteria: Invitae Variant Classification Sherloc (09022015). Collection method: clinical testing. Allele origin: germline.
Comment: For these reasons, this variant has been classified as Pathogenic. This premature translational stop signal has been observed in individual(s) with clinical features of hereditary breast and ovarian cancer syndrome (PMID: 29446198). This variant is not present in population databases (ExAC no frequency). This sequence change creates a premature translational stop signal (p.Glu755Lysfs*10) in the BRCA1 gene. It is expected to result in an absent or disrupted protein product. Loss-of-function variants in BRCA1 are known to be pathogenic (PMID: 20104584).

Literature cited by the submitters: PubMed 29446198; PubMed 20104584.

NM_007294.4(BRCA1):c.2262del (p.Glu755fs)

Gene: BRCA1 (BRCA1 DNA repair associated; minus strand). Cytogenetic location: 17q21.31.
Variant type: Deletion.
Coding change: c.2262del on transcript NM_007294.4 (MANE Select); coding-DNA position 2262, one base deleted (A; older notation c.2262delA).
Protein change: p.Glu755fs; shifts the reading frame from glutamic acid 755.
Molecular consequence: frameshift variant. On other transcripts: intron variant (137).
Genome position (GRCh38, 1-based): chr17:43,093,269, T deleted on the plus strand (A on the coding strand, the reverse complement: BRCA1 is on the minus strand). VCF-style (leftmost placement, unchanged base first): chr17-43093268-CT-C. GRCh37 (hg19) VCF-style: chr17-41245285-CT-C.
Other names: c.1374del, p.Glu459fs (NM_001407966.1, NM_001407967.1); c.2121del, p.Glu708fs (NM_007297.4, NM_001407692.1, NM_001407694.1 and 29 more transcripts); c.2262del, p.Glu755fs (NM_007300.4, NM_001407581.1, NM_001407582.1 and 30 more transcripts); c.646+1475del (NM_001408458.1, NM_001408469.1, NM_001408453.1 and 11 more transcripts); c.283+1475del (NM_001408512.1); c.406+1475del (NM_001408510.1); c.643+1475del (NM_001408470.1, NM_001408464.1, NM_001408468.1 and 3 more transcripts); c.784+1475del (NM_001408397.1, NM_001408401.1, NM_001408396.1 and 13 more transcripts); and 41 more; short protein forms E708fs, E755fs, E628fs, E643fs, E667fs, E687fs, E707fs, E713fs.
Identifiers: ClinVar variation 1365174 (VCV001365174.7), dbSNP rs2154386642, ClinGen allele CA2573154041.